The following is an entry in ClinVar:

ClinVar aggregate classification (germline): Uncertain significance (1 of 4 stars; one submission).

Submission:

GeneDx
Classification: Uncertain significance. Last evaluated: 2024-02-06. Review status: criteria provided, single submitter. Criteria: GeneDx Variant Classification Process June 2021. Collection method: clinical testing. Allele origin: germline. Affected: yes.
Comment: Not observed at significant frequency in large population cohorts (gnomAD); In silico analysis supports that this missense variant does not alter protein structure/function; Has not been previously published as pathogenic or benign to our knowledge

NM_018263.6(ASXL2):c.3104C>T (p.Pro1035Leu)

Gene: ASXL2 (ASXL transcriptional regulator 2; minus strand). Cytogenetic location: 2p23.3.
Variant type: single nucleotide variant.
Coding change: c.3104C>T on transcript NM_018263.6 (MANE Select); coding-DNA position 3104, C replaced by T.
Protein change: p.Pro1035Leu; replaces proline 1035 with leucine.
Molecular consequence: missense variant.
Genome position (GRCh38, 1-based): chr2:25,743,233, G>A on the plus strand (C>T on the coding strand, the complement: ASXL2 is on the minus strand). VCF-style: chr2-25743233-G-A. GRCh37 (hg19) VCF-style: chr2-25966102-G-A.
Other names: c.2930C>T, p.Pro977Leu (NM_001369346.1); c.2324C>T, p.Pro775Leu (NM_001369347.1); short protein forms P1035L, P775L, P977L.
Identifiers: ClinVar variation 3368742 (VCV003368742.1).
Genomic context (GRCh38, chr2:25,743,233, plus strand): 5'-TGGTATTGGTGTGTGTCAATGCTGGAGTCCCTCAGCTCCTTAGCTGAAAAGAGCTGAAGG[G>A]GCCTTGGAACCTGGGGGAGCTGCTTACTTTGCAAGGTTTTGCCCAGCTGCTGCTGCGTAG-3'
Protein context (NP_060733.4, residues 1025-1045): QSKQLPQVPR[Pro1035Leu]LQLFSAKELR